The following is an entry in ClinVar:

NM_030962.4(SBF2):c.5150C>T (p.Ser1717Phe)

Genes: SBF2 (SET binding factor 2; minus strand), SBF2-AS1 (SBF2 antisense RNA 1; plus strand), LOC105369149 (uncharacterized LOC105369149; plus strand). Cytogenetic location: 11p15.4.
Variant type: single nucleotide variant.
Coding change: c.5150C>T on transcript NM_030962.4 (MANE Select); coding-DNA position 5150, C replaced by T.
Protein change: p.Ser1717Phe; replaces serine 1717 with phenylalanine.
Molecular consequence: missense variant.
Genome position (GRCh38, 1-based): chr11:9,785,206, G>A on the plus strand (C>T on the coding strand, the complement: SBF2 is on the minus strand). VCF-style: chr11-9785206-G-A. GRCh37 (hg19) VCF-style: chr11-9806753-G-A.
Other names: c.5246C>T, p.Ser1749Phe (NM_001386339.1); c.5021C>T, p.Ser1674Phe (NM_001386342.1); short protein forms S1717F, S1749F, S1674F.
Identifiers: ClinVar variation 1448245 (VCV001448245.8), dbSNP rs1428957767, ClinGen allele CA379631600.
Genomic context (GRCh38, chr11:9,785,206, plus strand): 5'-GTATACTGGCTATAGAGCGTGGCTGCTCTTCGCTCCACTCCATTGGATGGGGAGATGCTG[G>A]AATTCTGTTCCTCCCCCATGCTGCTGTCTGGGAGATGTAGCAGAGACCTCTTCTGATAGG-3'
Protein context (NP_112224.1, residues 1707-1727): PDSSMGEEQN[Ser1717Phe]SISPSNGVER

ClinVar aggregate classification (germline): Uncertain significance (1 of 4 stars; one submission).

Conditions:
Charcot-Marie-Tooth disease type 4. Also called: Charcot-Marie-Tooth disease, type IV; Charcot-Marie-Tooth, Type 4. Identifiers: Orphanet 64749, MedGen C4082197, MONDO:0018995.

Allele frequency attached by ClinVar (database versions not stated): gnomAD 0.00001; TOPMed 0.00001; gnomAD exomes 0.00003.
gnomAD v4.1: 42 of 1,614,038 alleles (0.0026%); highest among the groups gnomAD compares: Non-Finnish European, 0.0036%; no homozygotes.

Submission:

Labcorp Genetics (formerly Invitae), Labcorp
Classification: Uncertain significance for Charcot-Marie-Tooth disease type 4. Last evaluated: 2021-08-28. Review status: criteria provided, single submitter. Criteria: Invitae Variant Classification Sherloc (09022015). Collection method: clinical testing. Allele origin: germline.
Comment: This sequence change replaces serine with phenylalanine at codon 1717 of the SBF2 protein (p.Ser1717Phe). The serine residue is weakly conserved and there is a large physicochemical difference between serine and phenylalanine. This variant is not present in population databases (ExAC no frequency). This variant has not been reported in the literature in individuals affected with SBF2-related conditions. Algorithms developed to predict the effect of missense changes on protein structure and function (SIFT, PolyPhen-2, Align-GVGD) all suggest that this variant is likely to be tolerated. In summary, the available evidence is currently insufficient to determine the role of this variant in disease. Therefore, it has been classified as a Variant of Uncertain Significance.